The following is an entry in ClinVar:

NM_014806.5(RUSC2):c.4501G>A (p.Val1501Met)

Gene: RUSC2 (RUN and SH3 domain containing 2; plus strand). Cytogenetic location: 9p13.3.
Variant type: single nucleotide variant.
Coding change: c.4501G>A on transcript NM_014806.5 (MANE Select); coding-DNA position 4501, G replaced by A.
Protein change: p.Val1501Met; replaces valine 1501 with methionine.
Molecular consequence: missense variant. On other transcripts: non-coding transcript variant (1).
Genome position (GRCh38, 1-based): chr9:35,561,332, G>A. VCF-style: chr9-35561332-G-A. GRCh37 (hg19) VCF-style: chr9-35561329-G-A.
Other names: c.4501G>A, p.Val1501Met (NM_001135999.2); c.1867G>A, p.Val623Met (NM_001330740.2); short protein forms V1501M, V623M.
Identifiers: ClinVar variation 1895787 (VCV001895787.4), dbSNP rs766184793, ClinGen allele CA5044425.
Genomic context (GRCh38, chr9:35,561,332, plus strand): 5'-GGAGGAGACTGGCTGCGCTGCAGCCGTGGCCCCGACTCTGGCCTGGTGCCCCTGGCCTAC[G>A]TGACATTGACCCCAACTCCAAGTCCAACCCCTGGAAGCAGCCAAAACTGAGGCCCTGTGC-3'
Protein context (NP_055621.2, residues 1491-1511): PDSGLVPLAY[Val1501Met]TLTPTPSPTP

ClinVar aggregate classification (germline): Uncertain significance (1 of 4 stars; one submission).

Allele frequency attached by ClinVar (database versions not stated): ExAC 0.00001; gnomAD 0.00001; TOPMed 0.00001.
gnomAD v4.1: 14 of 1,613,954 alleles (0.00087%); highest among the groups gnomAD compares: South Asian, 0.0033%; no homozygotes.

Submission:

Labcorp Genetics (formerly Invitae), Labcorp
Classification: Uncertain significance. Last evaluated: 2022-04-12. Review status: criteria provided, single submitter. Criteria: Invitae Variant Classification Sherloc (09022015). Collection method: clinical testing. Allele origin: germline.
Comment: In summary, the available evidence is currently insufficient to determine the role of this variant in disease. Therefore, it has been classified as a Variant of Uncertain Significance. Algorithms developed to predict the effect of missense changes on protein structure and function are either unavailable or do not agree on the potential impact of this missense change (SIFT: "Deleterious"; PolyPhen-2: "Probably Damaging"; Align-GVGD: "Class C0"). This variant has not been reported in the literature in individuals affected with RUSC2-related conditions. This variant is present in population databases (rs766184793, gnomAD 0.003%). This sequence change replaces valine, which is neutral and non-polar, with methionine, which is neutral and non-polar, at codon 1501 of the RUSC2 protein (p.Val1501Met).